The following is an entry in ClinVar:

NM_001042492.3(NF1):c.284del (p.Ala95fs)

Gene: NF1 (neurofibromin 1; plus strand). Cytogenetic location: 17q11.2.
Variant type: Deletion.
Coding change: c.284del on transcript NM_001042492.3 (MANE Select); coding-DNA position 284, one base deleted (C; older notation c.284delC).
Protein change: p.Ala95fs; shifts the reading frame from alanine 95.
Molecular consequence: frameshift variant.
Genome position (GRCh38, 1-based): chr17:31,159,089, C deleted. VCF-style (leftmost placement, unchanged base first): chr17-31159088-GC-G. GRCh37 (hg19) VCF-style: chr17-29486106-GC-G.
Other names: c.284delC (NM_000267.3); c.284delC, p.Ala95Valfs (NM_000267.4); c.284del, p.Ala95fs (NM_001128147.3); short protein forms A95fs.
Identifiers: ClinVar variation 821902 (VCV000821902.4), dbSNP rs1597629895, ClinGen allele CA915949704.

ClinVar aggregate classification (germline): Pathogenic (1 of 4 stars; one submission).

Conditions:
Cardiovascular phenotype. Identifiers: MedGen CN230736.
Hereditary cancer-predisposing syndrome. Also called: Tumor predisposition; Hereditary Cancer Syndrome; Neoplastic Syndromes, Hereditary; Hereditary neoplastic syndrome. Identifiers: Orphanet 140162, MedGen C0027672, MeSH D009386, MONDO:0015356.

Submission:

Ambry Genetics
Classification: Pathogenic for Cardiovascular phenotype; Hereditary cancer-predisposing syndrome. Last evaluated: 2018-05-10. Review status: criteria provided, single submitter. Criteria: Ambry Variant Classification Scheme 2023. Collection method: clinical testing. Allele origin: germline.
Comment: The c.284delC pathogenic mutation, located in coding exon 3 of the NF1 gene, results from a deletion of one nucleotide at nucleotide position 284, causing a translational frameshift with a predicted alternate stop codon (p.A95Vfs*8). This alteration is expected to result in loss of function by premature protein truncation or nonsense-mediated mRNA decay. As such, this alteration is interpreted as a disease-causing mutation.